The following is an entry in ClinVar:

ClinVar aggregate classification (germline): Likely benign. Review status: criteria provided, multiple submitters, no conflicts (2 of 4 stars). 3 submissions from 3 submitters: Likely benign (2). 1 of the submissions does not count toward it. Last evaluated 2026-01-05.

Conditions:
CNNM4-related disorder. Also called: CNNM4-related condition.

Submissions (3):

Labcorp Genetics (formerly Invitae), Labcorp
Classification: Likely benign. Last evaluated: 2026-01-05. Review status: criteria provided, single submitter. Criteria: Invitae Variant Classification Sherloc (09022015). Collection method: clinical testing. Allele origin: germline.

Blueprint Genetics
Classification: Likely benign. Last evaluated: 2024-10-09. Review status: criteria provided, single submitter. Criteria: ACMG Guidelines, 2015. Collection method: clinical testing. Allele origin: germline.

PreventionGenetics, part of Exact Sciences
Classification: Likely benign for CNNM4-related condition. Last evaluated: 2019-04-26. Review status: no assertion criteria provided. Collection method: clinical testing. Allele origin: germline. Not counted in ClinVar's aggregate classification.
Comment: This variant is classified as likely benign based on ACMG/AMP sequence variant interpretation guidelines (Richards et al. 2015 PMID: 25741868, with internal and published modifications).

NM_020184.4(CNNM4):c.2203_2211del (p.Gly735_Thr737del)

Gene: CNNM4 (cyclin and CBS domain divalent metal cation transport mediator 4; plus strand). Cytogenetic location: 2q11.2.
Variant type: Deletion.
Coding change: c.2203_2211del on transcript NM_020184.4 (MANE Select); coding-DNA positions 2203 to 2211, 9 bases deleted (GGGTGCACC; older notation c.2203_2211delGGGTGCACC).
Protein change: p.Gly735_Thr737del.
Molecular consequence: inframe deletion.
Genome position (GRCh38, 1-based): chr2:96,809,392-96,809,400, GGGTGCACC deleted; deleting any 9 consecutive bases within chr2:96,809,391-96,809,400 gives the same sequence; the c. name uses the placement nearest the transcript's 3' end. VCF-style (leftmost placement, unchanged base first): chr2-96809390-ACGGGTGCAC-A. GRCh37 (hg19) VCF-style: chr2-97475127-ACGGGTGCAC-A.
Other names: c.2203_2211del9 (NM_020184.3); c.2203_2211del (NM_020184.3).
Identifiers: ClinVar variation 773840 (VCV000773840.13), dbSNP rs550956407, ClinGen allele CA1783612.